The following is an entry in ClinVar:

NM_004100.5(EYA4):c.251G>A (p.Ser84Asn)

Gene: EYA4 (EYA transcriptional coactivator and phosphatase 4; plus strand). Cytogenetic location: 6q23.2.
Variant type: single nucleotide variant.
Coding change: c.251G>A on transcript NM_004100.5 (MANE Select); coding-DNA position 251, G replaced by A.
Protein change: p.Ser84Asn; replaces serine 84 with asparagine.
Molecular consequence: missense variant. On other transcripts: intron variant (4).
Genome position (GRCh38, 1-based): chr6:133,448,153, G>A. VCF-style: chr6-133448153-G-A. GRCh37 (hg19) VCF-style: chr6-133769291-G-A.
Other names: c.251G>A, p.Ser84Asn (NM_001301013.2, NM_172105.4); c.208+1399G>A (NM_001370458.1, NM_172103.4, NM_001370459.1 and 1 more transcripts); short protein forms S84N.
Identifiers: ClinVar variation 654851 (VCV000654851.11), dbSNP rs1215782368, ClinGen allele CA365838272.

ClinVar aggregate classification (germline): Uncertain significance. Review status: criteria provided, multiple submitters, no conflicts (2 of 4 stars). 2 submissions from 2 submitters: Uncertain significance (2). Last evaluated 2025-10-13.

Conditions:
Cardiovascular phenotype. Identifiers: MedGen CN230736.
Dilated cardiomyopathy 1J (CMD1J). Also called: CARDIOMYOPATHY, DILATED, WITH SENSORINEURAL HEARING LOSS, AUTOSOMAL DOMINANT. Identifiers: Orphanet 217622, MedGen C1854368, MONDO:0011541, OMIM 605362.

Allele frequency attached by ClinVar (database versions not stated): gnomAD exomes below 0.00001 and 0.00001; TOPMed 0.00001.
gnomAD v4.1: 15 of 1,613,722 alleles (0.00093%); highest among the groups gnomAD compares: Non-Finnish European, 0.0013%; no homozygotes.

Submissions (2):

Labcorp Genetics (formerly Invitae), Labcorp
Classification: Uncertain significance for Dilated cardiomyopathy 1J. Last evaluated: 2025-10-13. Review status: criteria provided, single submitter. Criteria: Invitae Variant Classification Sherloc (09022015). Collection method: clinical testing. Allele origin: germline.
Comment: This sequence change replaces serine, which is neutral and polar, with asparagine, which is neutral and polar, at codon 84 of the EYA4 protein (p.Ser84Asn). This variant is present in population databases (no rsID available, gnomAD 0.0009%). This variant has not been reported in the literature in individuals affected with EYA4-related conditions. ClinVar contains an entry for this variant (Variation ID: 654851). An algorithm developed to predict the effect of missense changes on protein structure and function (PolyPhen-2) suggests that this variant is likely to be tolerated. In summary, the available evidence is currently insufficient to determine the role of this variant in disease. Therefore, it has been classified as a Variant of Uncertain Significance.

Ambry Genetics
Classification: Uncertain significance for Cardiovascular phenotype. Last evaluated: 2025-05-18. Review status: criteria provided, single submitter. Criteria: Ambry Variant Classification Scheme 2023. Collection method: clinical testing. Allele origin: germline.
Comment: The p.S84N variant (also known as c.251G>A), located in coding exon 4 of the EYA4 gene, results from a G to A substitution at nucleotide position 251. The serine at codon 84 is replaced by asparagine, an amino acid with highly similar properties. This amino acid position is conserved. In addition, this alteration is predicted to be tolerated by in silico analysis. Since supporting evidence is limited at this time, the clinical significance of this alteration remains unclear.